The following is an entry in ClinVar:

NM_003560.4(PLA2G6):c.1591+5G>C

Gene: PLA2G6 (phospholipase A2 group VI; minus strand). Cytogenetic location: 22q13.1.
Variant type: single nucleotide variant.
Coding change: c.1591+5G>C on transcript NM_003560.4 (MANE Select); 5 bases into the intron after coding-DNA position 1591, G replaced by C.
Molecular consequence: intron variant.
Genome position (GRCh38, 1-based): chr22:38,123,090, C>G on the plus strand (G>C on the coding strand, the complement: PLA2G6 is on the minus strand). VCF-style: chr22-38123090-C-G. GRCh37 (hg19) VCF-style: chr22-38519097-C-G.
Other names: c.913+5G>C (NM_001349868.2); c.1429+5G>C (NM_001349866.2, NM_001199562.3, NM_001349865.2 and 1 more transcripts); c.895+5G>C (NM_001349869.2); c.1057+5G>C (NM_001349867.2); c.1591+5G>C (NM_001349864.2).
Identifiers: ClinVar variation 423516 (VCV000423516.5), dbSNP rs1064796469, ClinGen allele CA16621121.

ClinVar aggregate classification (germline): Conflicting classifications of pathogenicity. Review status: criteria provided, conflicting classifications (1 of 4 stars). 3 submissions from 3 submitters: Likely pathogenic (1); Uncertain significance (1). 1 of the submissions does not count toward it. Last evaluated 2023-01-24.

Conditions:
PLA2G6-associated neurodegeneration (PLAN). Also called: phospholipase A2-associated neurodegeneration. Identifiers: Orphanet 329303, MedGen CN204472, MONDO:0017998.

Allele frequency attached by ClinVar (database versions not stated): gnomAD exomes below 0.00001 and 0.00001.
gnomAD v4.1: 2 of 1,548,472 alleles (0.00013%); highest among the groups gnomAD compares: South Asian, 0.0024%; no homozygotes.

Submissions (3):

Broad Center for Mendelian Genomics, Broad Institute of MIT and Harvard
Classification: Uncertain significance for PLA2G6-associated neurodegeneration. Last evaluated: 2023-01-24. Review status: criteria provided, single submitter. Criteria: ACMG Guidelines, 2015. Collection method: curation. Allele origin: germline. Inheritance: Autosomal recessive inheritance.
Comment: The c.1591+5G>C variant in PLA2G6 has not been previously reported in the literature in individuals with PLA2G6-associated neurodegeneration and has been identified in 0.004% (1/22800) of South Asian chromosomes by the Genome Aggregation Database (gnomAD; dbSNP ID: rs1064796469). Although this variant has been seen in the general population in a heterozygous state, its frequency is low enough to be consistent with a recessive carrier frequency. This variant has also been reported in ClinVar (Variation ID#: 423516) and has been interpreted as likely pathogenic by GeneDx. This variant is located in the 3' splice region. Computational tools do suggest an impact to splicing. However, this information is not predictive enough to determine pathogenicity. In summary, the clinical significance of the c.1591+5G>C variant is uncertain. ACMG/AMP Criteria applied: PP3, PM2_supporting (Richards 2015).

GeneDx
Classification: Likely pathogenic. Last evaluated: 2017-02-08. Review status: criteria provided, single submitter. Criteria: GeneDx Variant Classification (06012015). Collection method: clinical testing. Allele origin: germline. Affected: yes.
Comment: The c.1591+5G>C variant in the PLA2G6 gene has not been reported previously as a pathogenic variant nor as a benign variant, to our knowledge. This variant is predicted to destroy the natural splice donor site in intron 11, and is expected to cause abnormal gene splicing. The c.1591+5G>C variant is not observed in large population cohorts (Lek et al., 2016; 1000 Genomes Consortium et al., 2015; Exome Variant Server). We interpret c.1591+5G>C as a likely pathogenic variant.

Dr. Muhammad Imran Shabbir Lab, International Islamic University Islamabad
Classification: Likely pathogenic for PLA2G6-associated neurodegeneration. Review status: no assertion criteria provided. Collection method: research. Allele origin: inherited. Affected: yes. Not counted in ClinVar's aggregate classification.

Literature cited by the submitters: PubMed 20301718 (cited by Dr. Muhammad Imran Shabbir Lab, International Islamic University Islamabad).